The following is an entry in ClinVar:

NM_006767.4(LZTR1):c.467del (p.Lys156fs)

Gene: LZTR1 (leucine zipper like post translational regulator 1; plus strand). Cytogenetic location: 22q11.21.
Variant type: Deletion.
Coding change: c.467del on transcript NM_006767.4 (MANE Select); coding-DNA position 467, one base deleted (A; older notation c.467delA).
Protein change: p.Lys156fs; shifts the reading frame from lysine 156.
Molecular consequence: frameshift variant.
Genome position (GRCh38, 1-based): chr22:20,988,076, A deleted; the last of 2 consecutive A bases (chr22:20,988,075-20,988,076); deleting either gives the same sequence. VCF-style (leftmost placement, unchanged base first): chr22-20988074-CA-C. GRCh37 (hg19) VCF-style: chr22-21342363-CA-C.
Other names: short protein forms K156fs.
Identifiers: ClinVar variation 3869306 (VCV003869306.1).

ClinVar aggregate classification (germline): Pathogenic (1 of 4 stars; one submission).

Conditions:
Cardiovascular phenotype. Identifiers: MedGen CN230736.
Hereditary cancer-predisposing syndrome. Also called: Tumor predisposition; Neoplastic Syndromes, Hereditary; Hereditary Cancer Syndrome; Hereditary neoplastic syndrome. Identifiers: Orphanet 140162, MedGen C0027672, MeSH D009386, MONDO:0015356.

Submission:

Ambry Genetics
Classification: Pathogenic for Cardiovascular phenotype; Hereditary cancer-predisposing syndrome. Last evaluated: 2025-03-13. Review status: criteria provided, single submitter. Criteria: Ambry Variant Classification Scheme 2023. Collection method: clinical testing. Allele origin: germline.
Comment: The c.467delA pathogenic mutation, located in coding exon 5 of the LZTR1 gene, results from a deletion of one nucleotide at nucleotide position 467, causing a translational frameshift with a predicted alternate stop codon (p.K156Sfs*44). This variant is considered to be rare based on population cohorts in the Genome Aggregation Database (gnomAD). This alteration is expected to result in loss of function by premature protein truncation or nonsense-mediated mRNA decay. Loss-of-function variants in LZTR1 are related to an increased risk for schwannomas and autosomal recessive Noonan syndrome; however, such associations with autosomal dominant Noonan syndrome have not been observed (Piotrowski A et al. Nat Genet. 2014 Feb;46:182-7; Yamamoto GL et al. J Med Genet. 2015 Jun;52:413-21; Johnston JJ et al. Genet Med. 2018 10;20:1175-1185). Based on the supporting evidence, this variant is pathogenic for an increased risk of LZTR1-related schwannomatosis (SWN) and would be expected to cause autosomal recessive Noonan syndrome when present along with a second pathogenic or likely pathogenic variant on the other allele; however, the association of this alteration with autosomal dominant Noonan syndrome is unlikely.